The following is an entry in ClinVar:

ClinVar aggregate classification (germline): Uncertain significance (1 of 4 stars; one submission).

Conditions:
Idiopathic generalized epilepsy. Also called: EIG; Generalised epilepsy. Identifiers: MedGen C0270850, MONDO:0005579, OMIM 600669.

Allele frequency attached by ClinVar (database versions not stated): gnomAD 0.00002; TOPMed 0.00002.
gnomAD v4.1: 51 of 1,612,816 alleles (0.0032%); highest among the groups gnomAD compares: East Asian, 0.0067%; no homozygotes.

Submission:

Labcorp Genetics (formerly Invitae), Labcorp
Classification: Uncertain significance for Idiopathic generalized epilepsy. Last evaluated: 2025-02-20. Review status: criteria provided, single submitter. Criteria: Invitae Variant Classification Sherloc (09022015). Collection method: clinical testing. Allele origin: germline.
Comment: This sequence change replaces glycine, which is neutral and non-polar, with arginine, which is basic and polar, at codon 355 of the RBFOX1 protein (p.Gly355Arg). This variant is present in population databases (rs535313416, gnomAD 0.01%). This variant has not been reported in the literature in individuals affected with RBFOX1-related conditions. ClinVar contains an entry for this variant (Variation ID: 937077). Invitae Evidence Modeling of protein sequence and biophysical properties (such as structural, functional, and spatial information, amino acid conservation, physicochemical variation, residue mobility, and thermodynamic stability) indicates that this missense variant is not expected to disrupt RBFOX1 protein function with a negative predictive value of 80%. In summary, the available evidence is currently insufficient to determine the role of this variant in disease. Therefore, it has been classified as a Variant of Uncertain Significance.

NM_018723.4(RBFOX1):c.1000G>A (p.Gly334Arg)

Genes: RBFOX1 (RNA binding fox-1 homolog 1; plus strand), LOC126862279 (MED14-independent group 3 enhancer GRCh37_chr16:7758954-7760153; plus strand). Cytogenetic location: 16p13.3.
Variant type: single nucleotide variant.
Coding change: c.1000G>A on transcript NM_018723.4 (MANE Select); coding-DNA position 1000, G replaced by A.
Protein change: p.Gly334Arg; replaces glycine 334 with arginine.
Molecular consequence: missense variant. On other transcripts: synonymous variant (2).
Genome position (GRCh38, 1-based): chr16:7,709,060, G>A. VCF-style: chr16-7709060-G-A. GRCh37 (hg19) VCF-style: chr16-7759062-G-A.
Other names: c.919G>A, p.Gly307Arg (NM_001142333.2); c.1000G>A, p.Gly334Arg (NM_001142334.2); c.1129G>A, p.Gly377Arg (NM_001308117.1); c.1053G>A, p.Thr351= (NM_001364800.2); c.1063G>A, p.Gly355Arg (NM_145891.3, NM_145892.3); c.1116G>A, p.Thr372= (NM_145893.3); short protein forms G377R, G307R, G334R, G355R.
Identifiers: ClinVar variation 937077 (VCV000937077.8), dbSNP rs535313416, ClinGen allele CA277957909.